The following is an entry in ClinVar:

ClinVar aggregate classification (germline): Uncertain significance (1 of 4 stars; one submission).

Conditions:
Primary ciliary dyskinesia. Also called: Ciliary dyskinesia. Identifiers: Orphanet 244, MedGen C0008780, MONDO:0016575, HP:0012265.

Allele frequency attached by ClinVar (database versions not stated): gnomAD exomes below 0.00001.
gnomAD v4.1: 2 of 1,611,018 alleles (0.00012%); highest among the groups gnomAD compares: Non-Finnish European, 0.00017%; no homozygotes.

Submission:

Labcorp Genetics (formerly Invitae), Labcorp
Classification: Uncertain significance for Primary ciliary dyskinesia. Last evaluated: 2022-04-09. Review status: criteria provided, single submitter. Criteria: Invitae Variant Classification Sherloc (09022015). Collection method: clinical testing. Allele origin: germline.
Comment: This sequence change replaces glutamic acid, which is acidic and polar, with lysine, which is basic and polar, at codon 2141 of the DNAH8 protein (p.Glu2141Lys). This variant is not present in population databases (gnomAD no frequency). This variant has not been reported in the literature in individuals affected with DNAH8-related conditions. Algorithms developed to predict the effect of missense changes on protein structure and function are either unavailable or do not agree on the potential impact of this missense change (SIFT: "Deleterious"; PolyPhen-2: "Not Available"; Align-GVGD: "Class C0"). In summary, the available evidence is currently insufficient to determine the role of this variant in disease. Therefore, it has been classified as a Variant of Uncertain Significance.

NM_001206927.2(DNAH8):c.6421G>A (p.Glu2141Lys)

Gene: DNAH8 (dynein axonemal heavy chain 8; plus strand). Cytogenetic location: 6p21.2.
Variant type: single nucleotide variant.
Coding change: c.6421G>A on transcript NM_001206927.2 (MANE Select); coding-DNA position 6421, G replaced by A.
Protein change: p.Glu2141Lys; replaces glutamic acid 2141 with lysine.
Molecular consequence: missense variant.
Genome position (GRCh38, 1-based): chr6:38,863,983, G>A. VCF-style: chr6-38863983-G-A. GRCh37 (hg19) VCF-style: chr6-38831759-G-A.
Other names: c.5770G>A, p.Glu1924Lys (NM_001371.4); short protein forms E2141K, E1924K.
Identifiers: ClinVar variation 2122628 (VCV002122628.1), dbSNP rs2533008903, ClinGen allele CA364023171.